The following is an entry in ClinVar:

ClinVar aggregate classification (germline): Pathogenic (1 of 4 stars; one submission).

Conditions:
3-methylcrotonyl-CoA carboxylase 1 deficiency (MCC1D). Also called: MCCD TYPE 1; METHYLCROTONYLGLYCINURIA TYPE I; MCC 1 deficiency; 3 Alpha methylcrotonylglycinuria 1. Identifiers: Orphanet 6, MedGen CN028786, MONDO:0008861, OMIM 210200.

Submission:

Labcorp Genetics (formerly Invitae), Labcorp
Classification: Pathogenic for 3-methylcrotonyl-CoA carboxylase 1 deficiency. Last evaluated: 2020-10-28. Review status: criteria provided, single submitter. Criteria: Invitae Variant Classification Sherloc (09022015). Collection method: clinical testing. Allele origin: germline.
Comment: For these reasons, this variant has been classified as Pathogenic. Algorithms developed to predict the effect of sequence changes on RNA splicing suggest that this variant may disrupt the consensus splice site, but this prediction has not been confirmed by published transcriptional studies. Disruption of this splice site has been observed in individual(s) with 3MCC deficiency (PMID: 21071250). This variant is not present in population databases (ExAC no frequency). This sequence change affects an acceptor splice site in intron 7 of the MCCC1 gene. It is expected to disrupt RNA splicing. Variants that disrupt the donor or acceptor splice site typically lead to a loss of protein function (PMID: 16199547), and loss-of-function variants in MCCC1 are known to be pathogenic (PMID: 11181649, 15359379, 22642865).

Literature cited by the submitters: PubMed 21071250; PubMed 16199547; PubMed 11181649; PubMed 15359379; PubMed 22642865.

NM_020166.5(MCCC1):c.762-2_762-1del

Gene: MCCC1 (methylcrotonyl-CoA carboxylase subunit 1; minus strand). Cytogenetic location: 3q27.1.
Variant type: Deletion.
Coding change: c.762-2_762-1del on transcript NM_020166.5 (MANE Select); the canonical splice acceptor site of the intron before coding-DNA position 762, 2 bases deleted (AG; older notation c.762-2_762-1delAG).
Molecular consequence: splice acceptor variant.
Genome position (GRCh38, 1-based): chr3:183,057,423-183,057,424, CT deleted on the plus strand (AG on the coding strand, the reverse complement: MCCC1 is on the minus strand). VCF-style (leftmost placement, unchanged base first): chr3-183057422-CCT-C. GRCh37 (hg19) VCF-style: chr3-182775210-CCT-C.
Other names: c.435-2_435-1del (NM_001363880.1); c.411-2_411-1del (NM_001293273.2).
Identifiers: ClinVar variation 1071001 (VCV001071001.9), dbSNP rs2108505736, ClinGen allele CA2499216593.